The following is an entry in ClinVar:

NM_001375524.1(TRRAP):c.1715-45A>G

Gene: TRRAP (transformation/transcription domain associated protein; plus strand). Cytogenetic location: 7q22.1.
Variant type: single nucleotide variant.
Coding change: c.1715-45A>G on transcript NM_001375524.1 (MANE Select); 45 bases into the intron before coding-DNA position 1715, A replaced by G.
Molecular consequence: intron variant.
Genome position (GRCh38, 1-based): chr7:98,910,465, A>G. VCF-style: chr7-98910465-A-G. GRCh37 (hg19) VCF-style: chr7-98508088-A-G.
Other names: c.1715-45A>G (NM_001244580.2, NM_003496.4).
Identifiers: ClinVar variation 4072260 (VCV004072260.1).

ClinVar aggregate classification (germline): Uncertain significance (1 of 4 stars; one submission).

Conditions:
Hearing loss, autosomal dominant 75. Also called: DEAFNESS, AUTOSOMAL DOMINANT 75. Identifiers: MedGen C5394059, MONDO:0032911, OMIM 618778.

gnomAD v4.1: 1 of 1,613,424 alleles (0.000062%); highest among the groups gnomAD compares: Non-Finnish European, 0.000085%; no homozygotes.

Submission:

3billion
Classification: Uncertain significance for Hearing loss, autosomal dominant 75. Last evaluated: 2024-07-03. Review status: criteria provided, single submitter. Criteria: ACMG Guidelines, 2015. Collection method: clinical testing. Allele origin: germline. Affected: yes.
Comment: The variant is observed at an extremely low frequency in the gnomAD v4.0.0 dataset (total allele frequency: <0.001%). Loss-of-function (LoF) variants are not yet known to be disease-causing for this gene. However, the gene is intolerable to LoF variants (gnomAD), suggesting they have a higher chance of being potentially pathogenic. Predicted Consequence/Location: Intron variant In silico tools predict the variant to alter splicing and produce an abnormal transcript [SpliceAI: 0.37 (>=0.2, moderate evidence for spliceogenicity)]. Therefore, this variant is classified as VUS according to the recommendation of ACMG/AMP guideline.